The following is an entry in ClinVar:

NM_001349253.2(SCN11A):c.1220A>G (p.Asn407Ser)

Gene: SCN11A (sodium voltage-gated channel alpha subunit 11; minus strand). Cytogenetic location: 3p22.2.
Variant type: single nucleotide variant.
Coding change: c.1220A>G on transcript NM_001349253.2 (MANE Select); coding-DNA position 1220, A replaced by G.
Protein change: p.Asn407Ser; replaces asparagine 407 with serine.
Molecular consequence: missense variant.
Genome position (GRCh38, 1-based): chr3:38,909,076, T>C on the plus strand (A>G on the coding strand, the complement: SCN11A is on the minus strand). VCF-style: chr3-38909076-T-C. GRCh37 (hg19) VCF-style: chr3-38950567-T-C.
Other names: c.1220A>G, p.Asn407Ser (NM_014139.3); short protein forms N407S.
Identifiers: ClinVar variation 541555 (VCV000541555.12), dbSNP rs375513048, ClinGen allele CA2322375.

ClinVar aggregate classification (germline): Uncertain significance. Review status: criteria provided, multiple submitters, no conflicts (2 of 4 stars). 5 submissions from 5 submitters: Uncertain significance (5). Last evaluated 2026-09-08.

Conditions:
SCN11A-related disorder. Also called: SCN11A-related condition.
Hereditary sensory and autonomic neuropathy type 7. Also called: Neuropathy, hereditary sensory and autonomic, type VII; HSAN VII. Identifiers: Orphanet 391397, MedGen C3809882, MONDO:0014244, OMIM 615548.
Familial episodic pain syndrome with predominantly lower limb involvement. Also called: Episodic pain syndrome, familial, 3. Identifiers: Orphanet 391384, Orphanet 391392, MedGen C3809899, MONDO:0014247, OMIM 615552.

Allele frequency attached by ClinVar (database versions not stated): gnomAD exomes 0.00001 and 0.00007; ExAC 0.00002; gnomAD 0.00005; TOPMed 0.00006; ESP Exome Variant Server 0.00008.
gnomAD v4.1: 115 of 1,614,052 alleles (0.0071%); highest among the groups gnomAD compares: Non-Finnish European, 0.0095%; no homozygotes.

Submissions (5):

PreventionGenetics, part of Exact Sciences
Classification: Uncertain significance for SCN11A-related condition. Last evaluated: 2026-09-08. Review status: criteria provided, single submitter. Criteria: ACMG Guidelines, 2015. Collection method: clinical testing. Allele origin: germline.
Comment: The SCN11A c.1220A>G variant is predicted to result in the amino acid substitution p.Asn407Ser. To our knowledge, this variant has not been reported in the literature. This variant is reported in 0.0018% of alleles in individuals of European (Non-Finnish) descent in gnomAD. At this time, the clinical significance of this variant is uncertain due to the absence of conclusive functional and genetic evidence.

Labcorp Genetics (formerly Invitae), Labcorp
Classification: Uncertain significance for Familial episodic pain syndrome with predominantly lower limb involvement; Hereditary sensory and autonomic neuropathy type 7. Last evaluated: 2026-01-13. Review status: criteria provided, single submitter. Criteria: Invitae Variant Classification Sherloc (09022015). Collection method: clinical testing. Allele origin: germline.
Comment: This sequence change replaces asparagine, which is neutral and polar, with serine, which is neutral and polar, at codon 407 of the SCN11A protein (p.Asn407Ser). This variant is present in population databases (rs375513048, gnomAD 0.002%). This variant has not been reported in the literature in individuals affected with SCN11A-related conditions. ClinVar contains an entry for this variant (Variation ID: 541555). Invitae Evidence Modeling of protein sequence and biophysical properties (such as structural, functional, and spatial information, amino acid conservation, physicochemical variation, residue mobility, and thermodynamic stability) indicates that this missense variant is not expected to disrupt SCN11A protein function with a negative predictive value of 80%. In summary, the available evidence is currently insufficient to determine the role of this variant in disease. Therefore, it has been classified as a Variant of Uncertain Significance.

GeneDx
Classification: Uncertain significance. Last evaluated: 2024-11-26. Review status: criteria provided, single submitter. Criteria: GeneDx Variant Classification Process June 2021. Collection method: clinical testing. Allele origin: germline. Affected: yes.
Comment: In silico analysis supports that this missense variant has a deleterious effect on protein structure/function; Has not been previously published as pathogenic or benign to our knowledge

Blueprint Genetics
Classification: Uncertain significance. Last evaluated: 2023-08-03. Review status: criteria provided, single submitter. Criteria: ACMG Guidelines, 2015. Collection method: clinical testing. Allele origin: germline.

Department of Pathology and Laboratory Medicine, Sinai Health System
Classification: Uncertain significance for Hereditary sensory and autonomic neuropathy type 7; Familial episodic pain syndrome with predominantly lower limb involvement. Last evaluated: 2022-05-13. Review status: criteria provided, single submitter. Criteria: ACMG Guidelines, 2015. Collection method: research. Allele origin: germline.